The following is an entry in ClinVar:

ClinVar aggregate classification (germline): Uncertain significance (1 of 4 stars; one submission).

Conditions:
Nemaline myopathy 10 (NEM10). Identifiers: MedGen C4015360, MONDO:0014513, OMIM 616165.

Allele frequency attached by ClinVar (database versions not stated): ExAC 0.00001; TOPMed 0.00001; gnomAD 0.00002.

Submission:

Labcorp Genetics (formerly Invitae), Labcorp
Classification: Uncertain significance for Nemaline myopathy 10. Last evaluated: 2022-08-09. Review status: criteria provided, single submitter. Criteria: Invitae Variant Classification Sherloc (09022015). Collection method: clinical testing. Allele origin: germline.
Comment: ClinVar contains an entry for this variant (Variation ID: 1015855). This variant has not been reported in the literature in individuals affected with LMOD3-related conditions. This variant is present in population databases (rs761586160, gnomAD 0.01%). This sequence change replaces isoleucine, which is neutral and non-polar, with methionine, which is neutral and non-polar, at codon 317 of the LMOD3 protein (p.Ile317Met). Algorithms developed to predict the effect of missense changes on protein structure and function are either unavailable or do not agree on the potential impact of this missense change (SIFT: "Deleterious"; PolyPhen-2: "Probably Damaging"; Align-GVGD: "Class C0"). In summary, the available evidence is currently insufficient to determine the role of this variant in disease. Therefore, it has been classified as a Variant of Uncertain Significance.

NM_198271.5(LMOD3):c.951C>G (p.Ile317Met)

Gene: LMOD3 (leiomodin 3; minus strand). Cytogenetic location: 3p14.1.
Variant type: single nucleotide variant.
Coding change: c.951C>G on transcript NM_198271.5 (MANE Select); coding-DNA position 951, C replaced by G.
Protein change: p.Ile317Met; replaces isoleucine 317 with methionine.
Molecular consequence: missense variant.
Genome position (GRCh38, 1-based): chr3:69,119,404, G>C on the plus strand (C>G on the coding strand, the complement: LMOD3 is on the minus strand). VCF-style: chr3-69119404-G-C. GRCh37 (hg19) VCF-style: chr3-69168555-G-C.
Other names: c.951C>G, p.Ile317Met (NM_001304418.3); short protein forms I317M.
Identifiers: ClinVar variation 1015855 (VCV001015855.3), dbSNP rs761586160, ClinGen allele CA2488886.